The following is an entry in ClinVar:

NM_001127208.3(TET2):c.441G>C (p.Lys147Asn)

Genes: TET2 (tet methylcytosine dioxygenase 2; plus strand), TET2-AS1 (TET2 antisense RNA 1; minus strand). Cytogenetic location: 4q24.
Variant type: single nucleotide variant.
Coding change: c.441G>C on transcript NM_001127208.3 (MANE Select); coding-DNA position 441, G replaced by C.
Protein change: p.Lys147Asn; replaces lysine 147 with asparagine.
Molecular consequence: missense variant.
Genome position (GRCh38, 1-based): chr4:105,234,383, G>C. VCF-style: chr4-105234383-G-C. GRCh37 (hg19) VCF-style: chr4-106155540-G-C.
Other names: c.441G>C, p.Lys147Asn (NM_017628.4); short protein forms K147N.
Identifiers: ClinVar variation 2747069 (VCV002747069.3), dbSNP rs2476480726, ClinGen allele CA357791712.

ClinVar aggregate classification (germline): Uncertain significance (1 of 4 stars; one submission).

Submission:

Labcorp Genetics (formerly Invitae), Labcorp
Classification: Uncertain significance. Last evaluated: 2023-07-26. Review status: criteria provided, single submitter. Criteria: Invitae Variant Classification Sherloc (09022015). Collection method: clinical testing. Allele origin: germline.
Comment: In summary, the available evidence is currently insufficient to determine the role of this variant in disease. Therefore, it has been classified as a Variant of Uncertain Significance. Algorithms developed to predict the effect of missense changes on protein structure and function output the following: SIFT: "Not Available"; PolyPhen-2: "Benign"; Align-GVGD: "Not Available". The asparagine amino acid residue is found in multiple mammalian species, which suggests that this missense change does not adversely affect protein function. This variant has not been reported in the literature in individuals affected with TET2-related conditions. This variant is not present in population databases (gnomAD no frequency). This sequence change replaces lysine, which is basic and polar, with asparagine, which is neutral and polar, at codon 147 of the TET2 protein (p.Lys147Asn).